The following is an entry in ClinVar:

NM_170699.3(GPBAR1):c.721G>A (p.Val241Met)

Gene: GPBAR1 (G protein-coupled bile acid receptor 1; plus strand). Cytogenetic location: 2q35.
Variant type: single nucleotide variant.
Coding change: c.721G>A on transcript NM_170699.3 (MANE Select); coding-DNA position 721, G replaced by A.
Protein change: p.Val241Met; replaces valine 241 with methionine.
Molecular consequence: missense variant.
Genome position (GRCh38, 1-based): chr2:218,263,445, G>A. VCF-style: chr2-218263445-G-A. GRCh37 (hg19) VCF-style: chr2-219128168-G-A.
Other names: c.721G>A (NM_001321950.1); c.721G>A, p.Val241Met (NM_001077191.2, NM_001077194.2, NM_001321950.2); short protein forms V241M.
Identifiers: ClinVar variation 3854903 (VCV003854903.2).

ClinVar aggregate classification (germline): Uncertain significance. Review status: criteria provided, multiple submitters, no conflicts (2 of 4 stars). 2 submissions from 2 submitters: Uncertain significance (2). Last evaluated 2026-03-23.

Conditions:
GPBAR1-related disorder. Also called: GPBAR1-related condition.

Submissions (2):

PreventionGenetics, part of Exact Sciences
Classification: Uncertain significance for GPBAR1-related condition. Last evaluated: 2026-03-23. Review status: criteria provided, single submitter. Criteria: ACMG Guidelines, 2015. Collection method: clinical testing. Allele origin: germline.
Comment: The GPBAR1 c.721G>A variant is predicted to result in the amino acid substitution p.Val241Met. To our knowledge, this variant has not been reported in the literature. This variant is reported in 0.11% of alleles in individuals of East Asian descent in gnomAD, which is likely too common to be a primary cause of disease. Although we suspect this variant may be benign, at this time, the clinical significance of this variant is uncertain due to the absence of conclusive functional and genetic evidence.

Ambry Genetics
Classification: Uncertain significance. Last evaluated: 2025-01-09. Review status: criteria provided, single submitter. Criteria: Ambry Variant Classification Scheme 2023. Collection method: clinical testing. Allele origin: germline.